The following is an entry in ClinVar:

ClinVar aggregate classification (germline): Uncertain significance. Review status: criteria provided, multiple submitters, no conflicts (2 of 4 stars). 2 submissions from 2 submitters: Uncertain significance (2). Last evaluated 2025-08-07.

Conditions:
Hereditary cancer-predisposing syndrome. Also called: Neoplastic Syndromes, Hereditary; Tumor predisposition; Hereditary Cancer Syndrome; Hereditary neoplastic syndrome. Identifiers: Orphanet 140162, MedGen C0027672, MeSH D009386, MONDO:0015356.

Submissions (2):

Labcorp Genetics (formerly Invitae), Labcorp
Classification: Uncertain significance. Last evaluated: 2025-08-07. Review status: criteria provided, single submitter. Criteria: Invitae Variant Classification Sherloc (09022015). Collection method: clinical testing. Allele origin: germline.
Comment: This sequence change falls in intron 2 of the POLE gene. It does not directly change the encoded amino acid sequence of the POLE protein. It affects a nucleotide within the consensus splice site. This variant is not present in population databases (gnomAD no frequency). This variant has not been reported in the literature in individuals affected with POLE-related conditions. ClinVar contains an entry for this variant (Variation ID: 473506). Variants that disrupt the consensus splice site are a relatively common cause of aberrant splicing (PMID: 17576681, 9536098). Algorithms developed to predict the effect of sequence changes on RNA splicing suggest that this variant may disrupt the consensus splice site. In summary, the available evidence is currently insufficient to determine the role of this variant in disease. Therefore, it has been classified as a Variant of Uncertain Significance.

Ambry Genetics
Classification: Uncertain significance for Hereditary cancer-predisposing syndrome. Last evaluated: 2025-03-28. Review status: criteria provided, single submitter. Criteria: Ambry Variant Classification Scheme 2023. Collection method: clinical testing. Allele origin: germline.
Comment: The c.204+3A>G intronic variant results from an A to G substitution 3 nucleotides after coding exon 2 in the POLE gene. This nucleotide position is not well conserved in available vertebrate species. In silico splice site analysis for this alteration is inconclusive. Based on the available evidence, the clinical significance of this variant remains unclear.

Literature cited by the submitters: PubMed 17576681 (cited by Labcorp Genetics (formerly Invitae), Labcorp); PubMed 9536098 (cited by Labcorp Genetics (formerly Invitae), Labcorp).

NM_006231.4(POLE):c.204+3A>G

Gene: POLE (DNA polymerase epsilon, catalytic subunit; minus strand). Cytogenetic location: 12q24.33.
Variant type: single nucleotide variant.
Coding change: c.204+3A>G on transcript NM_006231.4 (MANE Select); 3 bases into the intron after coding-DNA position 204, A replaced by G.
Molecular consequence: intron variant.
Genome position (GRCh38, 1-based): chr12:132,681,135, T>C on the plus strand (A>G on the coding strand, the complement: POLE is on the minus strand). VCF-style: chr12-132681135-T-C. GRCh37 (hg19) VCF-style: chr12-133257721-T-C.
Identifiers: ClinVar variation 473506 (VCV000473506.13), dbSNP rs962416286, ClinGen allele CA246303374.